The following is an entry in ClinVar:

ClinVar aggregate classification (germline): other (0 of 4 stars; one submission).

Conditions:
Familial colorectal cancer. Identifiers: MedGen CN280943, MONDO:0023113. Disease mechanism: loss of function.

Submission:

Systems Biology Platform Zhejiang California International NanoSystems Institute
Classification: other for Familial colorectal cancer. Review status: no assertion criteria provided. Collection method: not provided. Allele origin: unknown.
ClinVar note: Converted during submission from cancer to other.

NM_000038.6(APC):c.835-727A>C

Gene: APC (APC regulator of WNT signaling pathway; plus strand). Cytogenetic location: 5q22.2.
Variant type: single nucleotide variant.
Coding change: c.835-727A>C on transcript NM_000038.6 (MANE Select); 727 bases into the intron before coding-DNA position 835, A replaced by C.
Molecular consequence: intron variant.
Genome position (GRCh38, 1-based): chr5:112,814,768, A>C. VCF-style: chr5-112814768-A-C. GRCh37 (hg19) VCF-style: chr5-112150465-A-C.
Other names: c.835-727A>C (NM_001354895.2, NM_001127510.3, NM_001354896.2 and 1 more transcripts); c.865-727A>C (NM_001354897.2, NM_001354902.2); c.781-727A>C (NM_001127511.3); c.760-727A>C (NM_001354898.2, NM_001354904.2); c.-15-727A>C (NM_001354906.2); c.751-727A>C (NM_001354899.2); c.658-727A>C (NM_001354900.2, NM_001354901.2, NM_001354905.2).
Identifiers: ClinVar variation 83099 (VCV000083099.2), dbSNP rs80044112, ClinGen allele CA015369.